The following is an entry in ClinVar:

NM_004360.5(CDH1):c.1565+2dup

Gene: CDH1 (cadherin 1; plus strand). Cytogenetic location: 16q22.1.
Variant type: Duplication.
Coding change: c.1565+2dup on transcript NM_004360.5 (MANE Select); the canonical splice donor site of the intron after coding-DNA position 1565, one base duplicated (T; older notation c.1565+2dupT).
Molecular consequence: splice donor variant.
Genome position (GRCh38, 1-based): chr16:68,815,761, T duplicated. VCF-style (leftmost placement, unchanged base first): chr16-68815760-G-GT. GRCh37 (hg19) VCF-style: chr16-68849663-G-GT.
Other names: c.1565+2dupT (NM_004360.4, NM_004360.4); c.1565+2dup (NM_004360.3, LRG_301t1); c.17+2dup (NM_001317185.2); c.-255+2dup (NM_001317186.2); c.1382+2dup (NM_001317184.2).
Identifiers: ClinVar variation 406624 (VCV000406624.32), dbSNP rs1555516200, ClinGen allele CA16614980.
Genomic context (GRCh38, chr16:68,815,760, plus strand): 5'-CCAGGAAATCACATCCTACACTGCCCAGGAGCCAGACACATTTATGGAACAGAAAATAAC[G>GT]TAAGTGTGAGGATTTTTCAACTGACTTGCAGCAACTGGTTATTTTATATCATTTTATATG-3'

ClinVar aggregate classification (germline): Pathogenic. Review status: reviewed by expert panel (3 of 4 stars). 12 submissions from 12 submitters: Pathogenic (1). 11 of the submissions do not count toward it. Last evaluated 2023-08-30.

Conditions:
CDH1-related diffuse gastric and lobular breast cancer syndrome. Also called: CDH1-related diffuse gastric and lobular breast cancer. Identifiers: MedGen CN311521, MONDO:0100488.
Hereditary cancer-predisposing syndrome. Also called: Tumor predisposition; Neoplastic Syndromes, Hereditary; Hereditary Cancer Syndrome; Hereditary neoplastic syndrome. Identifiers: Orphanet 140162, MedGen C0027672, MeSH D009386, MONDO:0015356.
Hereditary diffuse gastric adenocarcinoma (HDGC). Also called: DIFFUSE GASTRIC AND LOBULAR BREAST CANCER SYNDROME. Identifiers: Orphanet 26106, MedGen C1708349, MONDO:0007648, OMIM 137215.
Familial cancer of breast. Also called: BREAST CANCER, FAMILIAL; hereditary breast carcinoma; Hereditary breast cancer. Identifiers: Orphanet 227535, MedGen C0346153, MONDO:0016419, OMIM 114480. Disease mechanism: loss of function.

Allele frequency attached by ClinVar (database versions not stated): gnomAD exomes below 0.00001.

Submissions 1 to 9 of 12:

Clingen Gastric Cancer Variant Curation Expert Panel
Classification: Pathogenic for CDH1-related diffuse gastric and lobular breast cancer syndrome. Last evaluated: 2023-08-30. Review status: reviewed by expert panel. Criteria: ClinGen CDH1 ACMG Specifications V3.1. Collection method: curation. Allele origin: germline. Inheritance: Autosomal dominant inheritance.
Comment: The c.1565+2dupT variant is a intronic variant in the donor region of intron 10 (PVS1_Strong, PM5_Supporting). This variant affects the same splice site as a well-characterized splice variant with similar or worse in silico/RNA predictions (PP3_Moderate). This variant is absent in the gnomAD cohort (PM2_Supporting). It has been reported in at least six families meeting HDGC clinical criteria (PS4; PMID: 18391748, 23709761, 25315765, 26072394, SCV000665426.2), and was also found to co-segregate with disease in multiple affected family members with 5 meioses observed (PP1_Moderate; PMID: 25315765, 22020549, SCV000665426.2). In summary, this variant meets criteria to be classified as pathogenic based on the ACMG/AMP criteria applied as specified by the CDH1 Variant Curation Expert Panel (Variant Interpretation Guidelines Version 3.1): PVS1_Strong, PS4, PM2_Supporting, PM5_Supporting, PP1_Moderate, PP3_Moderate.

Genetics Laboratory, Great Ormond Street Hospital NHS Foundation Trust, North Thames Genomic Laboratory Hub
Classification: Pathogenic for Hereditary diffuse gastric cancer. Last evaluated: 2025-07-31. Review status: criteria provided, single submitter. Criteria: CanVIG CDH1 Gene Specific. Collection method: clinical testing. Allele origin: germline. Affected: yes. Not counted in ClinVar's aggregate classification.
Comment: PS4_strong, PM2_supporting, PVS1_strong, PM5_supporting, PP1_supporting

Labcorp Genetics (formerly Invitae), Labcorp
Classification: Pathogenic for Hereditary diffuse gastric adenocarcinoma. Last evaluated: 2024-11-20. Review status: criteria provided, single submitter. Criteria: Invitae Variant Classification Sherloc (09022015). Collection method: clinical testing. Allele origin: germline. Not counted in ClinVar's aggregate classification.
Comment: This sequence change falls in intron 10 of the CDH1 gene. It does not directly change the encoded amino acid sequence of the CDH1 protein. It affects a nucleotide within the consensus splice site. This variant is not present in population databases (gnomAD no frequency). This variant has been observed in individuals with diffuse gastric cancer (PMID: 18391748, 22020549, 25315765, 26072394). It has also been observed to segregate with disease in related individuals. This variant is also known as c.1565+2insT. ClinVar contains an entry for this variant (Variation ID: 406624). Variants that disrupt the consensus splice site are a relatively common cause of aberrant splicing (PMID: 17576681, 9536098). Studies have shown that this variant is associated with inconclusive levels of altered splicing (internal data). For these reasons, this variant has been classified as Pathogenic.

Quest Diagnostics Nichols Institute San Juan Capistrano
Classification: Pathogenic. Last evaluated: 2024-10-14. Review status: criteria provided, single submitter. Criteria: Quest Diagnostics criteria. Collection method: clinical testing. Allele origin: unknown. Not counted in ClinVar's aggregate classification.
Comment: The CDH1 c.1565+2dup variant disrupts a canonical splice-donor site and interferes with normal CDH1 mRNA splicing. This variant has been reported in the published literature in individuals from different families with diffuse gastric cancer (PMID: 18391748 (2008), 22020549 (2012), 23709761 (2013), 25315765 (2014), 26072394 (2015)). This variant has not been reported in large, multi-ethnic general populations (Genome Aggregation Database). Based on the available information, this variant is classified as pathogenic.

Ambry Genetics
Classification: Pathogenic for Hereditary cancer-predisposing syndrome. Last evaluated: 2024-08-08. Review status: criteria provided, single submitter. Criteria: Ambry Variant Classification Scheme 2023. Collection method: clinical testing. Allele origin: germline. Not counted in ClinVar's aggregate classification.
Comment: The c.1565+2dupT intronic pathogenic mutation results from a duplication of a T nucleotide two nucleotide positions after coding exon 10 of the CDH1 gene. This mutation has been reported in multiple individuals with hereditary diffuse gastric cancer (HDGC) as well as their affected family members (Rogers WM et al. Am. J. Surg. Pathol. 2008 Jun; 32(6):799-809; Nadauld LD et al. Genome Biol., 2014 Aug;15:428). This mutation has also been reported in a hereditary gastric cancer family in which gastric cancer occurred in at least four family members at ages 43 to 56. Authors note that of the 16 additional relatives who tested positive for this mutation, 14 underwent prophylactic gastrectomy. In six prophylactic treated patients, only subtle gastric abnormalities were observed, and in one patient a total absence of typical HDGC-related histological findings was observed; however, ages of prophylactic gastrectomies were not provided (Kluijt I et al. Int. J. Cancer 2012 Jul;131:367-76). In silico splice site analysis predicts that this alteration may weaken the native splice donor site and will result in the creation or strengthening of a novel splice donor site; however, direct evidence is insufficient at this time (Ambry internal data). Based on the available evidence, this alteration is interpreted as a disease-causing mutation.

GeneDx
Classification: Pathogenic. Last evaluated: 2023-07-06. Review status: criteria provided, single submitter. Criteria: GeneDx Variant Classification Process June 2021. Collection method: clinical testing. Allele origin: germline. Affected: yes. Not counted in ClinVar's aggregate classification.
Comment: Intronic variant directly or indirectly altering the +5 splice site in a gene for which loss of function is a known mechanism of disease, and splice predictors support a deleterious effect; Not observed at significant frequency in large population cohorts (gnomAD); This variant is associated with the following publications: (PMID: 31125277, 24389957, 33929593, 30745422, 34949788, 22020549, 23709761, 28688938, 26182300, 25315765, 35626031, 26072394, 36436516, 18391748)

Myriad Genetics, Inc.
Classification: Likely pathogenic for Hereditary diffuse gastric adenocarcinoma. Last evaluated: 2023-06-14. Review status: criteria provided, single submitter. Criteria: Myriad Autosomal Dominant, Autosomal Recessive and X-Linked Classification Criteria (2023). Collection method: clinical testing. Allele origin: unknown. Not counted in ClinVar's aggregate classification.
Comment: This variant is considered likely pathogenic. This variant occurs within a consensus splice junction and is predicted to result in abnormal mRNA splicing of either an out-of-frame exon or an in-frame exon necessary for protein stability and/or normal function. mRNA analysis has demonstrated abnormal mRNA splicing occurs [Myriad internal data]. This variant has been reported in multiple individuals with clinical features of gene-specific disease [PMID: 22020549, 18391748, 25315765, 23709761].

Baylor Genetics
Classification: Pathogenic for Familial cancer of breast. Last evaluated: 2022-11-21. Review status: criteria provided, single submitter. Criteria: ACMG Guidelines, 2015. Collection method: clinical testing. Allele origin: unknown. Not counted in ClinVar's aggregate classification.

European Reference Network on Genetic Tumour Risk Syndromes (ERN-GENTURIS), i3s - Instituto de Investigação e Inovação em Saúde, University of Porto
Classification: Pathogenic for Hereditary diffuse gastric adenocarcinoma. Last evaluated: 2022-08-01. Review status: criteria provided, single submitter. Criteria: Lee et al. (Hum Mutat. 2018). Collection method: clinical testing. Allele origin: germline. Inheritance: Autosomal dominant inheritance. Affected: yes. Study: ERN GENTURIS. Not counted in ClinVar's aggregate classification.
Comment: PS4; PM2; PP1_Moderate; PP3_Moderate (PMID: 30311375)